The following is an entry in ClinVar:

NM_000465.4(BARD1):c.1397A>T (p.His466Leu)

Gene: BARD1 (BRCA1 associated RING domain 1; minus strand). Cytogenetic location: 2q35.
Variant type: single nucleotide variant.
Coding change: c.1397A>T on transcript NM_000465.4 (MANE Select); coding-DNA position 1397, A replaced by T.
Protein change: p.His466Leu; replaces histidine 466 with leucine.
Molecular consequence: missense variant. On other transcripts: non-coding transcript variant (3), intron variant (3).
Genome position (GRCh38, 1-based): chr2:214,767,653, T>A on the plus strand (A>T on the coding strand, the complement: BARD1 is on the minus strand). VCF-style: chr2-214767653-T-A. GRCh37 (hg19) VCF-style: chr2-215632377-T-A.
Other names: c.1397A>T (NM_000465.2); c.1340A>T, p.His447Leu (NM_001282543.2); c.159-15098A>T (NM_001282548.2); c.216-15098A>T (NM_001282545.2); c.364+24644A>T (NM_001282549.2); short protein forms H447L, H466L.
Identifiers: ClinVar variation 2732970 (VCV002732970.4), dbSNP rs730881418, ClinGen allele CA350448935.

ClinVar aggregate classification (germline): Uncertain significance. Review status: criteria provided, multiple submitters, no conflicts (2 of 4 stars). 2 submissions from 2 submitters: Uncertain significance (2). Last evaluated 2026-05-08.

Conditions:
Hereditary cancer-predisposing syndrome. Also called: Tumor predisposition; Hereditary neoplastic syndrome; Neoplastic Syndromes, Hereditary; Hereditary Cancer Syndrome. Identifiers: Orphanet 140162, MedGen C0027672, MeSH D009386, MONDO:0015356.
Familial cancer of breast. Also called: hereditary breast carcinoma; Hereditary breast cancer; BREAST CANCER, FAMILIAL. Identifiers: Orphanet 227535, MedGen C0346153, MONDO:0016419, OMIM 114480. Disease mechanism: loss of function.

Submissions (2):

Ambry Genetics
Classification: Uncertain significance for Hereditary cancer-predisposing syndrome. Last evaluated: 2026-05-08. Review status: criteria provided, single submitter. Criteria: Ambry Variant Classification Scheme 2023. Collection method: clinical testing. Allele origin: germline.
Comment: The p.H466L variant (also known as c.1397A>T), located in coding exon 6 of the BARD1 gene, results from an A to T substitution at nucleotide position 1397. The histidine at codon 466 is replaced by leucine, an amino acid with similar properties. This amino acid position is highly conserved in available vertebrate species. In addition, this alteration is predicted to be deleterious by in silico analysis. Based on the available evidence, the clinical significance of this variant remains unclear.

Labcorp Genetics (formerly Invitae), Labcorp
Classification: Uncertain significance for Familial cancer of breast. Last evaluated: 2023-01-26. Review status: criteria provided, single submitter. Criteria: Invitae Variant Classification Sherloc (09022015). Collection method: clinical testing. Allele origin: germline.
Comment: Algorithms developed to predict the effect of missense changes on protein structure and function (SIFT, PolyPhen-2, Align-GVGD) all suggest that this variant is likely to be disruptive. In summary, the available evidence is currently insufficient to determine the role of this variant in disease. Therefore, it has been classified as a Variant of Uncertain Significance. This missense change has been observed in individual(s) with breast cancer (PMID: 31036035). This variant is not present in population databases (gnomAD no frequency). This sequence change replaces histidine, which is basic and polar, with leucine, which is neutral and non-polar, at codon 466 of the BARD1 protein (p.His466Leu).

Literature cited by the submitters: PubMed 31036035 (cited by Labcorp Genetics (formerly Invitae), Labcorp).